The following is an entry in ClinVar:

ClinVar aggregate classification (germline): Uncertain significance (1 of 4 stars; one submission).

Conditions:
Inborn genetic diseases. Identifiers: MedGen C0950123, MeSH D030342.

Submission:

Ambry Genetics
Classification: Uncertain significance for Inborn genetic diseases. Last evaluated: 2026-08-02. Review status: criteria provided, single submitter. Criteria: Ambry Variant Classification Scheme 2023. Collection method: clinical testing. Allele origin: germline.
Comment: The p.I262V variant (also known as c.784A>G), located in coding exon 8 of the DDX41 gene, results from an A to G substitution at nucleotide position 784. The isoleucine at codon 262 is replaced by valine, an amino acid with highly similar properties. This amino acid position is conserved. In addition, this alteration is predicted to be tolerated by in silico analysis. Based on the available evidence, the clinical significance of this variant remains unclear.

NM_016222.4(DDX41):c.784A>G (p.Ile262Val)

Gene: DDX41 (DEAD-box helicase 41; minus strand). Cytogenetic location: 5q35.3.
Variant type: single nucleotide variant.
Coding change: c.784A>G on transcript NM_016222.4 (MANE Select); coding-DNA position 784, A replaced by G.
Protein change: p.Ile262Val; replaces isoleucine 262 with valine.
Molecular consequence: missense variant.
Genome position (GRCh38, 1-based): chr5:177,514,930, T>C on the plus strand (A>G on the coding strand, the complement: DDX41 is on the minus strand). VCF-style: chr5-177514930-T-C. GRCh37 (hg19) VCF-style: chr5-176941931-T-C.
Other names: c.406A>G, p.Ile136Val (NM_001321830.2, NM_001321732.2); short protein forms I136V, I262V.
Identifiers: ClinVar variation 5035162 (VCV005035162.1).